The following is an entry in ClinVar:

NM_030665.4(RAI1):c.5364C>T (p.Gly1788=)

Gene: RAI1 (retinoic acid induced 1; plus strand). Cytogenetic location: 17p11.2.
Variant type: single nucleotide variant.
Coding change: c.5364C>T on transcript NM_030665.4 (MANE Select); coding-DNA position 5364, C replaced by T.
Protein change: p.Gly1788=; no amino-acid change (glycine 1788 retained).
Molecular consequence: synonymous variant.
Genome position (GRCh38, 1-based): chr17:17,798,312, C>T. VCF-style: chr17-17798312-C-T. GRCh37 (hg19) VCF-style: chr17-17701626-C-T.
Other names: c.5364C>T (NM_030665.3).
Identifiers: ClinVar variation 2144703 (VCV002144703.5), dbSNP rs375317999, ClinGen allele CA8419140.

ClinVar aggregate classification (germline): Likely benign. Review status: criteria provided, single submitter (1 of 4 stars). 2 submissions from 2 submitters: Likely benign (1). 1 of the submissions does not count toward it. Last evaluated 2025-07-08.

Conditions:
RAI1-related disorder. Also called: RAI1-related condition.

Allele frequency attached by ClinVar (database versions not stated): gnomAD exomes below 0.00001; gnomAD 0.00001; ExAC 0.00003; TOPMed 0.00003; ESP Exome Variant Server 0.00008.
gnomAD v4.1: 8 of 1,595,694 alleles (0.0005%); highest among the groups gnomAD compares: African/African-American, 0.008%; no homozygotes.

Submissions (2):

Labcorp Genetics (formerly Invitae), Labcorp
Classification: Likely benign. Last evaluated: 2025-07-08. Review status: criteria provided, single submitter. Criteria: Invitae Variant Classification Sherloc (09022015). Collection method: clinical testing. Allele origin: germline.

PreventionGenetics, part of Exact Sciences
Classification: Likely benign for RAI1-related condition. Last evaluated: 2024-05-08. Review status: no assertion criteria provided. Collection method: clinical testing. Allele origin: germline. Not counted in ClinVar's aggregate classification.
Comment: This variant is classified as likely benign based on ACMG/AMP sequence variant interpretation guidelines (Richards et al. 2015 PMID: 25741868, with internal and published modifications).